The following is an entry in ClinVar:

NM_021116.4(ADCY1):c.816C>G (p.Pro272=)

Gene: ADCY1 (adenylate cyclase 1; plus strand). Cytogenetic location: 7p12.3.
Variant type: single nucleotide variant.
Coding change: c.816C>G on transcript NM_021116.4 (MANE Select); coding-DNA position 816, C replaced by G.
Protein change: p.Pro272=; no amino-acid change (proline 272 retained).
Molecular consequence: synonymous variant.
Genome position (GRCh38, 1-based): chr7:45,610,405, C>G. VCF-style: chr7-45610405-C-G. GRCh37 (hg19) VCF-style: chr7-45650004-C-G.
Other names: c.816C>G (NM_021116.2); c.141C>G, p.Pro47= (NM_001281768.2).
Identifiers: ClinVar variation 1662293 (VCV001662293.8), dbSNP rs144232626, ClinGen allele CA4248785.
Genomic context (GRCh38, chr7:45,610,405, plus strand): 5'-TGCTGTCTAACCCGGGCCCTTCTCTTCTGTCCAGGAGCGGCTCCTCATGAGCCTCCTGCC[C>G]CGGAACGTTGCCATGGAGATGAAGGAGGACTTCCTGAAGCCCCCTGAGAGGATTTTCCAC-3'
Protein context (NP_066939.1, residues 262-282): KQERLLMSLL[Pro272=]RNVAMEMKED

ClinVar aggregate classification (germline): Likely benign. Review status: criteria provided, multiple submitters, no conflicts (2 of 4 stars). 3 submissions from 3 submitters: Likely benign (2). 1 of the submissions does not count toward it. Last evaluated 2025-12-03.

Conditions:
ADCY1-related disorder. Also called: ADCY1-related condition.

Allele frequency attached by ClinVar (database versions not stated): gnomAD 0.00019; TOPMed 0.00020; gnomAD exomes 0.00022 and 0.00023; ExAC 0.00027; ESP Exome Variant Server 0.00038.

Submissions (3):

Labcorp Genetics (formerly Invitae), Labcorp
Classification: Likely benign. Last evaluated: 2025-12-03. Review status: criteria provided, single submitter. Criteria: Invitae Variant Classification Sherloc (09022015). Collection method: clinical testing. Allele origin: germline.

Blueprint Genetics
Classification: Likely benign. Last evaluated: 2024-10-22. Review status: criteria provided, single submitter. Criteria: ACMG Guidelines, 2015. Collection method: clinical testing. Allele origin: germline.

PreventionGenetics, part of Exact Sciences
Classification: Likely benign for ADCY1-related condition. Last evaluated: 2020-09-30. Review status: no assertion criteria provided. Collection method: clinical testing. Allele origin: germline. Not counted in ClinVar's aggregate classification.
Comment: This variant is classified as likely benign based on ACMG/AMP sequence variant interpretation guidelines (Richards et al. 2015 PMID: 25741868, with internal and published modifications).